The following is an entry in ClinVar:

NM_007294.4(BRCA1):c.5080G>A (p.Glu1694Lys)

Gene: BRCA1 (BRCA1 DNA repair associated; minus strand). Cytogenetic location: 17q21.31.
Variant type: single nucleotide variant.
Coding change: c.5080G>A on transcript NM_007294.4 (MANE Select); coding-DNA position 5080, G replaced by A.
Protein change: p.Glu1694Lys; replaces glutamic acid 1694 with lysine.
Molecular consequence: missense variant. On other transcripts: non-coding transcript variant (1).
Genome position (GRCh38, 1-based): chr17:43,063,946, C>T on the plus strand (G>A on the coding strand, the complement: BRCA1 is on the minus strand). VCF-style: chr17-43063946-C-T. GRCh37 (hg19) VCF-style: chr17-41215963-C-T.
Other names: c.4867G>A, p.Glu1623Lys (NM_001407571.1, NM_001407900.1, NM_001407902.1 and 12 more transcripts); c.5146G>A, p.Glu1716Lys (NM_001407581.1, NM_001407582.1); c.5143G>A, p.Glu1715Lys (NM_001407583.1, NM_001407585.1, NM_001407587.1 and 1 more transcripts); c.5140G>A, p.Glu1714Lys (NM_001407590.1, NM_001407591.1); c.5080G>A, p.Glu1694Lys (NM_001407593.1, NM_001407594.1, NM_001407596.1 and 7 more transcripts); c.5077G>A, p.Glu1693Lys (NM_001407610.1, NM_001407611.1, NM_001407612.1 and 17 more transcripts); c.5074G>A, p.Glu1692Lys (NM_001407627.1, NM_001407628.1, NM_001407629.1 and 14 more transcripts); c.5065G>A, p.Glu1689Lys (NM_001407647.1); and 71 more; short protein forms E1694K, E1715K, E1647K, E590K, E1565K, E1566K, E1604K, E1606K.
Identifiers: ClinVar variation 566134 (VCV000566134.10), dbSNP rs80356896, ClinGen allele CA10591364.
Genomic context (GRCh38, chr17:43,063,946, plus strand): 5'-CTACCCATTTTCCTCCCGCAATTCCTAGAAAATATTTCAGTGTCCGTTCACACACAAACT[C>T]AGCATCTGCAGAATGAAAAACACTCAAAGGATTAGAAGTTGAAAACAAAATCAGGAAGTG-3'
Protein context (NP_009225.1, residues 1684-1704): TTHVVMKTDA[Glu1694Lys]FVCERTLKYF

ClinVar aggregate classification (germline): Uncertain significance. Review status: criteria provided, multiple submitters, no conflicts (2 of 4 stars). 2 submissions from 2 submitters: Uncertain significance (2). Last evaluated 2025-09-10.

Conditions:
Hereditary breast ovarian cancer syndrome. Also called: Hereditary breast and ovarian cancer; Hereditary breast and ovarian cancer syndrome; Hereditary breast and ovarian cancer syndrome (HBOC); Breast and ovarian cancer; BRCA1- and BRCA2-Associated Hereditary Breast and Ovarian Cancer; Hereditary breast and/or ovarian cancer syndrome. Identifiers: Orphanet 145, MedGen C0677776, MeSH D061325, MONDO:0003582. Disease mechanism: loss of function.

Submissions (3):

Women's Health and Genetics/Laboratory Corporation of America, LabCorp
Classification: Uncertain significance. Last evaluated: 2025-09-10. Review status: criteria provided, single submitter. Criteria: LabCorp Variant Classification Summary - May 2015. Collection method: clinical testing. Allele origin: germline.
Comment: Variant summary: BRCA1 c.5080G>A (p.Glu1694Lys) results in a conservative amino acid change in the encoded protein sequence. Algorithms developed to predict the effect of missense changes on protein structure and function are either unavailable or do not agree on the potential impact of this missense change. Consensus agreement among computation tools predict no significant impact on normal splicing. However, these predictions have yet to be confirmed by functional studies. The variant was absent in 251136 control chromosomes. To our knowledge, no occurrence of c.5080G>A in individuals affected with BRCA1-related conditions has been reported. At least one functional study reports experimental evidence evaluating an impact on protein function and showed damaging effect of this variant on homology directed repair (HDR) activity (e.g. Findlay_2018). The following publications have been ascertained in the context of this evaluation (PMID: 30209399, 22505045).ClinVar contains an entry for this variant (Variation ID: 566134). Based on the evidence outlined above, the variant was classified as VUS-possibly pathogenic.

Labcorp Genetics (formerly Invitae), Labcorp
Classification: Uncertain significance for Hereditary breast ovarian cancer syndrome. Last evaluated: 2022-09-27. Review status: criteria provided, single submitter. Criteria: Invitae Variant Classification Sherloc (09022015). Collection method: clinical testing. Allele origin: germline.
Comment: This sequence change replaces glutamic acid, which is acidic and polar, with lysine, which is basic and polar, at codon 1694 of the BRCA1 protein (p.Glu1694Lys). This variant is not present in population databases (gnomAD no frequency). This variant has not been reported in the literature in individuals affected with BRCA1-related conditions. ClinVar contains an entry for this variant (Variation ID: 566134). Advanced modeling of experimental studies (such as gene expression, population dynamics, functional pathways, and cell-cycle effects in cell culture) performed at Invitae indicates that this missense variant is expected to disrupt BRCA1 protein function. Experimental studies have shown that this missense change affects BRCA1 function (PMID: 11877378, 30209399). Algorithms developed to predict the effect of sequence changes on RNA splicing suggest that this variant may disrupt the consensus splice site. In summary, the available evidence is currently insufficient to determine the role of this variant in disease. Therefore, it has been classified as a Variant of Uncertain Significance.

Brotman Baty Institute, University of Washington
No classification provided (evidence only). Condition: Breast-ovarian cancer, familial 1. Review status: no classification provided. Collection method: in vitro. Allele origin: not applicable. Functional consequence: functionally_abnormal. Not counted in ClinVar's aggregate classification.
ClinVar note: "not provided" was previously submitted as the classification for the variant. However, the classification appeared to be based only on an observation of functional data so it was converted to no classification on 2025-07-30.

Literature cited by the submitters: PubMed 22505045 (cited by Women's Health and Genetics/Laboratory Corporation of America, LabCorp); PubMed 30209399 (cited by Women's Health and Genetics/Laboratory Corporation of America, LabCorp and Labcorp Genetics (formerly Invitae), Labcorp); PubMed 11877378 (cited by Labcorp Genetics (formerly Invitae), Labcorp).